The following is an entry in ClinVar:

NM_007325.5(GRIA3):c.2481T>C (p.Val827=)

Gene: GRIA3 (glutamate ionotropic receptor AMPA type subunit 3; plus strand). Cytogenetic location: Xq25.
Variant type: single nucleotide variant.
Coding change: c.2481T>C on transcript NM_007325.5 (MANE Select); coding-DNA position 2481, T replaced by C.
Protein change: p.Val827=; no amino-acid change (valine 827 retained).
Molecular consequence: synonymous variant.
Genome position (GRCh38, 1-based): chrX:123,482,840, T>C. VCF-style: chrX-123482840-T-C. GRCh37 (hg19) VCF-style: chrX-122616691-T-C.
Other names: c.2481T>C, p.Val827= (NM_000828.5).
Identifiers: ClinVar variation 2992294 (VCV002992294.7), dbSNP rs1250667454, ClinGen allele CA518426543.

ClinVar aggregate classification (germline): Likely benign. Review status: criteria provided, multiple submitters, no conflicts (2 of 4 stars). 2 submissions from 2 submitters: Likely benign (2). Last evaluated 2026-03-01.

Allele frequency attached by ClinVar (database versions not stated): gnomAD 0.00001; gnomAD exomes 0.00001; TOPMed 0.00001.

Submissions (2):

CeGaT Center for Human Genetics Tuebingen
Classification: Likely benign. Last evaluated: 2026-03-01. Review status: criteria provided, single submitter. Criteria: CeGaT Center For Human Genetics Tuebingen Variant Classification Criteria Version 2. Collection method: clinical testing. Allele origin: germline. Affected: yes. Observed: 1 variant allele.
Comment: GRIA3: BP4, BP7

Labcorp Genetics (formerly Invitae), Labcorp
Classification: Likely benign. Last evaluated: 2024-07-04. Review status: criteria provided, single submitter. Criteria: Invitae Variant Classification Sherloc (09022015). Collection method: clinical testing. Allele origin: germline.